The following is an entry in ClinVar:

NM_024570.4(RNASEH2B):c.244+3A>G

Gene: RNASEH2B (ribonuclease H2 subunit B; plus strand). Cytogenetic location: 13q14.3.
Variant type: single nucleotide variant.
Coding change: c.244+3A>G on transcript NM_024570.4 (MANE Select); 3 bases into the intron after coding-DNA position 244, A replaced by G.
Molecular consequence: intron variant.
Genome position (GRCh38, 1-based): chr13:50,929,585, A>G. VCF-style: chr13-50929585-A-G. GRCh37 (hg19) VCF-style: chr13-51503721-A-G.
Other names: c.244+3A>G (NM_001142279.2).
Identifiers: ClinVar variation 933672 (VCV000933672.4), dbSNP rs371461579, ClinGen allele CA6985490.

ClinVar aggregate classification (germline): Uncertain significance. Review status: criteria provided, multiple submitters, no conflicts (2 of 4 stars). 2 submissions from 2 submitters: Uncertain significance (2). Last evaluated 2024-07-27.

Conditions:
Aicardi-Goutieres syndrome 2. Identifiers: Orphanet 51, MedGen C3489724, MONDO:0012429, OMIM 610181.

Allele frequency attached by ClinVar (database versions not stated): gnomAD exomes below 0.00001 and 0.00002; ExAC 0.00004; gnomAD 0.00005 and 0.00006; TOPMed 0.00006; ESP Exome Variant Server 0.00015.
gnomAD v4.1: 14 of 1,548,880 alleles (0.0009%); highest among the groups gnomAD compares: African/African-American, 0.018%; no homozygotes.

Submissions (2):

Women's Health and Genetics/Laboratory Corporation of America, LabCorp
Classification: Uncertain significance. Last evaluated: 2024-07-27. Review status: criteria provided, single submitter. Criteria: LabCorp Variant Classification Summary - May 2015. Collection method: clinical testing. Allele origin: germline.

Labcorp Genetics (formerly Invitae), Labcorp
Classification: Uncertain significance for Aicardi-Goutieres syndrome 2. Last evaluated: 2022-08-16. Review status: criteria provided, single submitter. Criteria: Invitae Variant Classification Sherloc (09022015). Collection method: clinical testing. Allele origin: germline.
Comment: This sequence change falls in intron 3 of the RNASEH2B gene. It does not directly change the encoded amino acid sequence of the RNASEH2B protein. It affects a nucleotide within the consensus splice site. This variant is present in population databases (rs371461579, gnomAD 0.03%). This variant has not been reported in the literature in individuals affected with RNASEH2B-related conditions. ClinVar contains an entry for this variant (Variation ID: 933672). Variants that disrupt the consensus splice site are a relatively common cause of aberrant splicing (PMID: 17576681, 9536098). Algorithms developed to predict the effect of sequence changes on RNA splicing suggest that this variant may disrupt the consensus splice site. In summary, the available evidence is currently insufficient to determine the role of this variant in disease. Therefore, it has been classified as a Variant of Uncertain Significance.

Literature cited by the submitters: PubMed 17576681 (cited by Labcorp Genetics (formerly Invitae), Labcorp); PubMed 9536098 (cited by Labcorp Genetics (formerly Invitae), Labcorp).